The following is an entry in ClinVar:

ClinVar aggregate classification (germline): Uncertain significance (1 of 4 stars; one submission).

Conditions:
Beckwith-Wiedemann syndrome (BWS). Also called: EMG SYNDROME; Exomphalos macroglossia gigantism syndrome. Identifiers: Orphanet 116, MedGen C0004903, MONDO:0007534, OMIM 130650.

Submission:

Labcorp Genetics (formerly Invitae), Labcorp
Classification: Uncertain significance for Beckwith-Wiedemann syndrome. Last evaluated: 2024-05-29. Review status: criteria provided, single submitter. Criteria: Invitae Variant Classification Sherloc (09022015). Collection method: clinical testing. Allele origin: germline.
Comment: This variant, c.429_434dup, results in the insertion of 2 amino acid(s) of the CDKN1C protein (p.Pro144_Ala145dup), but otherwise preserves the integrity of the reading frame. This variant is not present in population databases (gnomAD no frequency). This variant has not been reported in the literature in individuals affected with CDKN1C-related conditions. ClinVar contains an entry for this variant (Variation ID: 524685). Experimental studies and prediction algorithms are not available or were not evaluated, and the functional significance of this variant is currently unknown. In summary, the available evidence is currently insufficient to determine the role of this variant in disease. Therefore, it has been classified as a Variant of Uncertain Significance.

NM_001122630.2(CDKN1C):c.390CCCGGC[3] (p.131PA[3])

Gene: CDKN1C (cyclin dependent kinase inhibitor 1C; minus strand). Cytogenetic location: 11p15.4.
Variant type: Microsatellite.
Coding change: c.390CCCGGC[3] on transcript NM_001122630.2 (MANE Select); three copies in a row of the 6-base unit CCCGGC starting at c.390; the reference has two copies in a row; one copy, 6 bases duplicated.
Protein change: p.131PA[3].
Molecular consequence: inframe insertion. On other transcripts: intron variant (1).
Genome position (GRCh38, 1-based): chr11:2,885,056-2,885,061, GCCGGG duplicated on the plus strand (CCCGGC on the coding strand, the reverse complement: CDKN1C is on the minus strand); duplicating any 6 consecutive bases within chr11:2,885,056-2,885,067 gives the same sequence; the position shown is the placement nearest the transcript's 3' end. VCF-style (leftmost placement, unchanged base first): chr11-2885055-C-CGCCGGG. GRCh37 (hg19) VCF-style: chr11-2906285-C-CGCCGGG.
Other names: c.423CCCGGC[3], p.142PA[3] (NM_000076.2, NM_001362474.2); c.390CCCGGC[3], p.131PA[3] (NM_001122631.2); c.255+135CCCGGC[3] (NM_001362475.2); c.429_434dup (NM_000076.2).
Identifiers: ClinVar variation 524685 (VCV000524685.10), dbSNP rs1201148541, ClinGen allele CA597432676.
Genomic context (GRCh38, chr11:2,885,055, plus strand): 5'-GACCGGAGCCGGAGCCGGGGCCGGGGCTGGAGCCAGGACCGGGACTGGGGGCGGGGTGGA[C>CGCCGGG]GCCGGGGCCGGGACCGGGACACTAGGCAGCTGCTCCGGCGCCTCCTCGAGGCCGTCGAGG-3'